The following is an entry in ClinVar:

ClinVar aggregate classification (germline): Uncertain significance. Review status: criteria provided, multiple submitters, no conflicts (2 of 4 stars). 2 submissions from 2 submitters: Uncertain significance (2). Last evaluated 2024-08-08.

Conditions:
Epidermolysis bullosa simplex 5B, with muscular dystrophy (EBS5B). Also called: Epidermolysis bullosa simplex with muscular dystrophy; EPIDERMOLYSIS BULLOSA SIMPLEX AND LIMB-GIRDLE MUSCULAR DYSTROPHY. Identifiers: Orphanet 257, MedGen C2931072, MONDO:0009181, OMIM 226670.
Epidermolysis bullosa simplex, Ogna type (EBS5A). Also called: Pidermolysis bullosa simplex 5A, Ogna type; EPIDERMOLYSIS BULLOSA SIMPLEX 5A, OGNA TYPE. Identifiers: Orphanet 79401, MedGen C0432317, MONDO:0007555, OMIM 131950.
Epidermolysis bullosa simplex with nail dystrophy (EBS5D). Identifiers: MedGen C4225309, MONDO:0014661, OMIM 616487.
Epidermolysis bullosa simplex 5C, with pyloric atresia (EBS5C). Also called: Epidermolysis bullosa simplex with pyloric atresia; PLEC-Related Epidermolysis Bullosa with Pyloric Atresia; PLEC1-Related Epidermolysis Bullosa with Pyloric Atresia. Identifiers: Orphanet 158684, MedGen C2677349, MONDO:0012807, OMIM 612138.
Autosomal recessive limb-girdle muscular dystrophy type 2Q (LGMDR17). Also called: MUSCULAR DYSTROPHY, LIMB-GIRDLE, AUTOSOMAL RECESSIVE 17. Identifiers: Orphanet 254361, MedGen C3150989, MONDO:0013390, OMIM 613723.

gnomAD v4.1: 3 of 1,602,980 alleles (0.00019%); highest among the groups gnomAD compares: Admixed American, 0.005%; no homozygotes.

Submissions (2):

Labcorp Genetics (formerly Invitae), Labcorp
Classification: Uncertain significance for Autosomal recessive limb-girdle muscular dystrophy type 2Q; Epidermolysis bullosa simplex, Ogna type; Epidermolysis bullosa simplex with nail dystrophy; Epidermolysis bullosa simplex 5C, with pyloric atresia; Epidermolysis bullosa simplex 5B, with muscular dystrophy. Last evaluated: 2024-08-08. Review status: criteria provided, single submitter. Criteria: Invitae Variant Classification Sherloc (09022015). Collection method: clinical testing. Allele origin: germline.
Comment: This sequence change replaces leucine, which is neutral and non-polar, with valine, which is neutral and non-polar, at codon 996 of the PLEC protein (p.Leu996Val). This variant is present in population databases (no rsID available, gnomAD 0.003%). This variant has not been reported in the literature in individuals affected with PLEC-related conditions. ClinVar contains an entry for this variant (Variation ID: 1444881). Advanced modeling of protein sequence and biophysical properties (such as structural, functional, and spatial information, amino acid conservation, physicochemical variation, residue mobility, and thermodynamic stability) performed at Invitae indicates that this missense variant is not expected to disrupt PLEC protein function with a negative predictive value of 80%. In summary, the available evidence is currently insufficient to determine the role of this variant in disease. Therefore, it has been classified as a Variant of Uncertain Significance.

Breakthrough Genomics
Classification: Uncertain significance. Review status: criteria provided, single submitter. Criteria: ACMG Guidelines, 2015. Collection method: not provided. Allele origin: germline. Inheritance: Autosomal recessive inheritance. Affected: yes.

NM_201384.3(PLEC):c.2905C>G (p.Leu969Val)

Gene: PLEC (plectin; minus strand). Cytogenetic location: 8q24.3.
Variant type: single nucleotide variant.
Coding change: c.2905C>G on transcript NM_201384.3 (MANE Select); coding-DNA position 2905, C replaced by G.
Protein change: p.Leu969Val; replaces leucine 969 with valine.
Molecular consequence: missense variant.
Genome position (GRCh38, 1-based): chr8:143,929,664, G>C on the plus strand (C>G on the coding strand, the complement: PLEC is on the minus strand). VCF-style: chr8-143929664-G-C. GRCh37 (hg19) VCF-style: chr8-145003832-G-C.
Other names: c.2986C>G, p.Leu996Val (NM_000445.5); c.2863C>G, p.Leu955Val (NM_201378.4); c.2839C>G, p.Leu947Val (NM_201379.3); c.3316C>G, p.Leu1106Val (NM_201380.4); c.2809C>G, p.Leu937Val (NM_201381.3); c.2905C>G, p.Leu969Val (NM_201382.4); c.2917C>G, p.Leu973Val (NM_201383.3); short protein forms L955V, L1106V, L969V, L996V, L973V, L937V, L947V.
Identifiers: ClinVar variation 1444881 (VCV001444881.7), dbSNP rs1195997039, ClinGen allele CA372570671.